The following is an entry in ClinVar:

ClinVar aggregate classification (germline): Uncertain significance. Review status: criteria provided, multiple submitters, no conflicts (2 of 4 stars). 2 submissions from 2 submitters: Uncertain significance (2). Last evaluated 2025-08-22.

Conditions:
Ullrich congenital muscular dystrophy 2 (UCMD2). Identifiers: Orphanet 75840, MedGen C4225314, MONDO:0014654, OMIM 616470.
Bethlem myopathy 2 (BTHLM2). Identifiers: Orphanet 536516, Orphanet 610, MedGen C4225313, MONDO:0034022, OMIM 616471.
Inborn genetic diseases. Identifiers: MedGen C0950123, MeSH D030342.

gnomAD v4.1: 1 of 1,613,230 alleles (0.000062%); no homozygotes.

Submissions (2):

Ambry Genetics
Classification: Uncertain significance for Inborn genetic diseases. Last evaluated: 2025-08-22. Review status: criteria provided, single submitter. Criteria: Ambry Variant Classification Scheme 2023. Collection method: clinical testing. Allele origin: germline.

Labcorp Genetics (formerly Invitae), Labcorp
Classification: Uncertain significance for Bethlem myopathy 2; Ullrich congenital muscular dystrophy 2. Last evaluated: 2021-07-31. Review status: criteria provided, single submitter. Criteria: Invitae Variant Classification Sherloc (09022015). Collection method: clinical testing. Allele origin: germline.
Comment: In summary, the available evidence is currently insufficient to determine the role of this variant in disease. Therefore, it has been classified as a Variant of Uncertain Significance. Algorithms developed to predict the effect of missense changes on protein structure and function are either unavailable or do not agree on the potential impact of this missense change (SIFT: "Deleterious"; PolyPhen-2: "Benign"; Align-GVGD: "Class C0"). This variant has not been reported in the literature in individuals affected with COL12A1-related conditions. This variant is not present in population databases (ExAC no frequency). This sequence change replaces alanine with threonine at codon 2760 of the COL12A1 protein (p.Ala2760Thr). The alanine residue is moderately conserved and there is a small physicochemical difference between alanine and threonine.

NM_004370.6(COL12A1):c.8278G>A (p.Ala2760Thr)

Gene: COL12A1 (collagen type XII alpha 1 chain; minus strand). Cytogenetic location: 6q13.
Variant type: single nucleotide variant.
Coding change: c.8278G>A on transcript NM_004370.6 (MANE Select); coding-DNA position 8278, G replaced by A.
Protein change: p.Ala2760Thr; replaces alanine 2760 with threonine.
Molecular consequence: missense variant.
Genome position (GRCh38, 1-based): chr6:75,103,798, C>T on the plus strand (G>A on the coding strand, the complement: COL12A1 is on the minus strand). VCF-style: chr6-75103798-C-T. GRCh37 (hg19) VCF-style: chr6-75813514-C-T.
Other names: c.4786G>A, p.Ala1596Thr (NM_080645.3); c.8278G>A (NM_004370.5); short protein forms A1596T, A2760T.
Identifiers: ClinVar variation 1359616 (VCV001359616.7), dbSNP rs1768418483, ClinGen allele CA364740192.